The following is an entry in ClinVar:

NM_177438.3(DICER1):c.527A>T (p.Glu176Val)

Gene: DICER1 (dicer 1, ribonuclease III; minus strand). Cytogenetic location: 14q32.13.
Variant type: single nucleotide variant.
Coding change: c.527A>T on transcript NM_177438.3 (MANE Select); coding-DNA position 527, A replaced by T.
Protein change: p.Glu176Val; replaces glutamic acid 176 with valine.
Molecular consequence: missense variant.
Genome position (GRCh38, 1-based): chr14:95,130,104, T>A on the plus strand (A>T on the coding strand, the complement: DICER1 is on the minus strand). VCF-style: chr14-95130104-T-A. GRCh37 (hg19) VCF-style: chr14-95596441-T-A.
Other names: NM_177438.3(DICER1):c.527A>T; p.Glu176Val; c.527A>T, p.Glu176Val (NM_001195573.1, NM_001271282.3, NM_001291628.2 and 1 more transcripts); short protein forms E176V.
Identifiers: ClinVar variation 543562 (VCV000543562.16), dbSNP rs756586319, ClinGen allele CA7331646.
Genomic context (GRCh38, chr14:95,130,104, plus strand): 5'-GGTCTAAAACTTACCTTCATAATTTCTCGATAGGGGTGGTCTAGGATTGCAAGATGACAC[T>A]CATCAAACACCAAAAGGTTAATGTCTGACAGTGATAAGTAACCATTTTTCAAAACATTCA-3'
Protein context (NP_803187.1, residues 166-186): LSDINLLVFD[Glu176Val]CHLAILDHPY

ClinVar aggregate classification (germline): Uncertain significance. Review status: reviewed by expert panel (3 of 4 stars). 4 submissions from 4 submitters: Uncertain significance (1). 3 of the submissions do not count toward it. Last evaluated 2026-06-23.

Conditions:
DICER1-related tumor predisposition. Also called: DICER1-related pleuropulmonary blastoma cancer predisposition syndrome; DICER1 syndrome. Identifiers: Orphanet 284343, MedGen C3839822, MONDO:0100216.
Hereditary cancer-predisposing syndrome. Also called: Tumor predisposition; Hereditary neoplastic syndrome; Neoplastic Syndromes, Hereditary; Hereditary Cancer Syndrome. Identifiers: Orphanet 140162, MedGen C0027672, MeSH D009386, MONDO:0015356.

Allele frequency attached by ClinVar (database versions not stated): gnomAD exomes below 0.00001; TOPMed below 0.00001; gnomAD 0.00001; ExAC 0.00001.
gnomAD v4.1: 2 of 1,613,392 alleles (0.00012%); highest among the groups gnomAD compares: Non-Finnish European, 0.00017%; no homozygotes.

Submissions (4):

ClinGen DICER1 and miRNA-Processing Gene Variant Curation Expert Panel, ClinGen
Classification: Uncertain significance for DICER1-related tumor predisposition. Last evaluated: 2026-06-23. Review status: reviewed by expert panel. Criteria: ClinGen DICER1 ACMG Specifications DICER1 V1.4.0. Collection method: curation. Allele origin: germline. Inheritance: Autosomal dominant inheritance.
Comment: The NM_177438.2:c.527A>T variant in DICER1 is a missense variant predicted to replace glutamic acid with valine at codon 176 (p.Glu176Val). Although this variant has been observed in individuals undergoing genetic sequencing, to our knowledge, this variant has not been reported in individuals with DICER1-related tumor predisposition (PS4 not met; PMIDs, ClinVar GTRs, Internal lab contributors). The highest population minor allele frequency in gnomAD v4.1.0 is 0.000001695 (2/1179702 alleles) in the European (non-Finnish) population (PM2_Supporting, BS1, and BA1 are not met). In silico tools predict damaging impact of the variant on protein function (REVEL: 0.835) (PP3). In summary, this variant meets the criteria to be classified as Uncertain Significance for DICER1-related tumor predisposition based on the ACMG/AMP criteria applied, as specified by the ClinGen DICER1 VCEP: PP3. (Bayesian Points: 1; VCEP specifications version 1.4.0; 06/23/2026)

Labcorp Genetics (formerly Invitae), Labcorp
Classification: Uncertain significance for DICER1-related tumor predisposition. Last evaluated: 2026-01-28. Review status: criteria provided, single submitter. Criteria: Invitae Variant Classification Sherloc (09022015). Collection method: clinical testing. Allele origin: germline. Not counted in ClinVar's aggregate classification.
Comment: This sequence change replaces glutamic acid, which is acidic and polar, with valine, which is neutral and non-polar, at codon 176 of the DICER1 protein (p.Glu176Val). This variant is present in population databases (rs756586319, gnomAD 0.002%). This variant has not been reported in the literature in individuals affected with DICER1-related conditions. ClinVar contains an entry for this variant (Variation ID: 543562). Invitae Evidence Modeling of protein sequence and biophysical properties (such as structural, functional, and spatial information, amino acid conservation, physicochemical variation, residue mobility, and thermodynamic stability) indicates that this missense variant is not expected to disrupt DICER1 protein function with a negative predictive value of 95%. In summary, the available evidence is currently insufficient to determine the role of this variant in disease. Therefore, it has been classified as a Variant of Uncertain Significance.

Ambry Genetics
Classification: Uncertain significance for Hereditary cancer-predisposing syndrome. Last evaluated: 2025-09-19. Review status: criteria provided, single submitter. Criteria: Ambry Variant Classification Scheme 2023. Collection method: clinical testing. Allele origin: germline. Not counted in ClinVar's aggregate classification.
Comment: The p.E176V variant (also known as c.527A>T), located in coding exon 4 of the DICER1 gene, results from an A to T substitution at nucleotide position 527. The glutamic acid at codon 176 is replaced by valine, an amino acid with dissimilar properties. This amino acid position is well conserved in available vertebrate species. In addition, this alteration is predicted to be deleterious by in silico analysis. Since supporting evidence is limited at this time, the clinical significance of this alteration remains unclear.

Sema4
Classification: Uncertain significance for Hereditary cancer-predisposing syndrome. Last evaluated: 2021-11-17. Review status: criteria provided, single submitter. Criteria: Sema4 Curation Guidelines. Collection method: curation. Allele origin: germline. Not counted in ClinVar's aggregate classification.
Comment: The DICER1 c.527A>T (p.E176V) variant has not been reported in the literature to our knowledge. It was observed in 2/128990 chromosomes of the Non-Finnish European subpopulation in the large and broad cohorts of the Genome Aggregation Database (PMID: 32461654). The variant has been reported in ClinVar (Variation ID: 543562). In silico tools suggest the impact of the variant on protein function is deleterious, though these predictions have not been confirmed by functional studies. The evidence is insufficient to meet ACMG/AMP criteria for classifying the variant as benign or pathogenic. Thus, the clinical significance of this variant is currently uncertain.